The following is an entry in ClinVar:

ClinVar aggregate classification (germline): Uncertain significance. Review status: criteria provided, multiple submitters, no conflicts (2 of 4 stars). 4 submissions from 4 submitters: Uncertain significance (4). Last evaluated 2025-11-19.

Conditions:
Charcot-Marie-Tooth disease. Also called: Charcot-Marie-Tooth Neuropathy; Charcot-Marie-Tooth Hereditary Neuropathy. Identifiers: Orphanet 166, MedGen C0007959, MONDO:0015626.
PRX-related disorder. Also called: PRX-Related Disorders; PRX-related condition.
Charcot-Marie-Tooth disease type 4. Also called: Charcot-Marie-Tooth disease, type IV; Charcot-Marie-Tooth, Type 4. Identifiers: Orphanet 64749, MedGen C4082197, MONDO:0018995.

Allele frequency attached by ClinVar (database versions not stated): gnomAD exomes 0.00004; TOPMed 0.00005; ExAC 0.00001; gnomAD 0.00003.
gnomAD v4.1: 23 of 1,614,180 alleles (0.0014%); highest among the groups gnomAD compares: Middle Eastern, 0.033%; no homozygotes.

Submissions (4):

PreventionGenetics, part of Exact Sciences
Classification: Uncertain significance for PRX-related condition. Last evaluated: 2025-11-19. Review status: criteria provided, single submitter. Criteria: ACMG Guidelines, 2015. Collection method: clinical testing. Allele origin: germline.
Comment: The PRX c.2816C>T variant is predicted to result in the amino acid substitution p.Ser939Leu. This variant has been reported as a variant of uncertain significance in an individual from a large cohort study of Charcot-Marie-Tooth disease; however, additional evidence was not provided (Supp. Table 2, Volodarsky et al. 2021. PubMed ID: 32376792). This variant is reported in 0.027% of alleles in individuals of East Asian descent in gnomAD. At this time, the clinical significance of this variant is uncertain due to the absence of conclusive functional and genetic evidence.

Labcorp Genetics (formerly Invitae), Labcorp
Classification: Uncertain significance for Charcot-Marie-Tooth disease type 4. Last evaluated: 2022-02-12. Review status: criteria provided, single submitter. Criteria: Invitae Variant Classification Sherloc (09022015). Collection method: clinical testing. Allele origin: germline.
Comment: This sequence change replaces serine, which is neutral and polar, with leucine, which is neutral and non-polar, at codon 939 of the PRX protein (p.Ser939Leu). This variant is present in population databases (rs761769929, gnomAD 0.03%). This missense change has been observed in individual(s) with clinical features of Charcot-Marie-Tooth disease (PMID: 32376792). ClinVar contains an entry for this variant (Variation ID: 917234). Algorithms developed to predict the effect of missense changes on protein structure and function are either unavailable or do not agree on the potential impact of this missense change (SIFT: "Deleterious"; PolyPhen-2: "Possibly Damaging"; Align-GVGD: "Class C0"). In summary, the available evidence is currently insufficient to determine the role of this variant in disease. Therefore, it has been classified as a Variant of Uncertain Significance.

Mayo Clinic Laboratories, Mayo Clinic
Classification: Uncertain significance. Last evaluated: 2019-12-09. Review status: criteria provided, single submitter. Criteria: ACMG Guidelines, 2015. Collection method: clinical testing. Allele origin: germline. Observed: 1 variant allele.

Molecular Genetics Laboratory, London Health Sciences Centre
Classification: Uncertain significance for Charcot-Marie-Tooth disease. Review status: criteria provided, single submitter. Criteria: ACMG Guidelines, 2015. Collection method: clinical testing. Allele origin: germline. Affected: yes.

Literature cited by the submitters: PubMed 32376792 (cited by Labcorp Genetics (formerly Invitae), Labcorp).

NM_181882.3(PRX):c.2816C>T (p.Ser939Leu)

Gene: PRX (periaxin; minus strand). Cytogenetic location: 19q13.2.
Variant type: single nucleotide variant.
Coding change: c.2816C>T on transcript NM_181882.3 (MANE Select); coding-DNA position 2816, C replaced by T.
Protein change: p.Ser939Leu; replaces serine 939 with leucine.
Molecular consequence: missense variant. On other transcripts: 3 prime UTR variant (1).
Genome position (GRCh38, 1-based): chr19:40,395,536, G>A on the plus strand (C>T on the coding strand, the complement: PRX is on the minus strand). VCF-style: chr19-40395536-G-A. GRCh37 (hg19) VCF-style: chr19-40901443-G-A.
Other names: c.*3021C>T (NM_020956.2); short protein forms S939L.
Identifiers: ClinVar variation 917234 (VCV000917234.10), dbSNP rs761769929, ClinGen allele CA9443974.